The following is an entry in ClinVar:

ClinVar aggregate classification (germline): Uncertain significance (1 of 4 stars; one submission).

Conditions:
Charcot-Marie-Tooth disease type 2. Also called: Charcot-Marie-Tooth type 2. Identifiers: Orphanet 64746, MedGen C0270914, MONDO:0018993.

Submission:

Labcorp Genetics (formerly Invitae), Labcorp
Classification: Uncertain significance for Charcot-Marie-Tooth disease type 2. Last evaluated: 2019-09-30. Review status: criteria provided, single submitter. Criteria: Invitae Variant Classification Sherloc (09022015). Collection method: clinical testing. Allele origin: germline.
Comment: This variant is not present in population databases (ExAC no frequency). In summary, the available evidence is currently insufficient to determine the role of this variant in disease. Therefore, it has been classified as a Variant of Uncertain Significance. Algorithms developed to predict the effect of missense changes on protein structure and function (SIFT, PolyPhen-2, Align-GVGD) all suggest that this variant is likely to be disruptive, but these predictions have not been confirmed by published functional studies and their clinical significance is uncertain. This variant has not been reported in the literature in individuals with GARS-related conditions. This sequence change replaces glutamine with lysine at codon 431 of the GARS protein (p.Gln431Lys). The glutamine residue is highly conserved and there is a small physicochemical difference between glutamine and lysine.

NM_002047.4(GARS1):c.1291C>A (p.Gln431Lys)

Gene: GARS1 (glycyl-tRNA synthetase 1; plus strand). Cytogenetic location: 7p14.3.
Variant type: single nucleotide variant.
Coding change: c.1291C>A on transcript NM_002047.4 (MANE Select); coding-DNA position 1291, C replaced by A.
Protein change: p.Gln431Lys; replaces glutamine 431 with lysine.
Molecular consequence: missense variant.
Genome position (GRCh38, 1-based): chr7:30,617,210, C>A. VCF-style: chr7-30617210-C-A. GRCh37 (hg19) VCF-style: chr7-30656826-C-A.
Other names: c.1129C>A, p.Gln377Lys (NM_001316772.1); short protein forms Q431K, Q377K.
Identifiers: ClinVar variation 963297 (VCV000963297.9), dbSNP rs375133923, ClinGen allele CA367127226.
Genomic context (GRCh38, chr7:30,617,210, plus strand): 5'-GGCCGCATCTACCTCTACCTCACGAAGGTTGGAATATCTCCAGATAAACTCCGCTTCCGG[C>A]AGCACATGGAGAATGAGATGGCCCATTATGCCTGTGACTGTTGGGATGCAGAATCCAAAA-3'
Protein context (NP_002038.2, residues 421-441): GISPDKLRFR[Gln431Lys]HMENEMAHYA